The following is an entry in ClinVar:

NM_001080517.3(SETD5):c.4262G>T (p.Gly1421Val)

Gene: SETD5 (SET domain containing 5; plus strand). Cytogenetic location: 3p25.3.
Variant type: single nucleotide variant.
Coding change: c.4262G>T on transcript NM_001080517.3 (MANE Select); coding-DNA position 4262, G replaced by T.
Protein change: p.Gly1421Val; replaces glycine 1421 with valine.
Molecular consequence: missense variant.
Genome position (GRCh38, 1-based): chr3:9,476,024, G>T. VCF-style: chr3-9476024-G-T. GRCh37 (hg19) VCF-style: chr3-9517708-G-T.
Other names: c.3968G>T, p.Gly1323Val (NM_001292043.2, NM_001349451.2); short protein forms G1323V, G1421V.
Identifiers: ClinVar variation 2314756 (VCV002314756.6), dbSNP rs2045824103, ClinGen allele CA351695338.

ClinVar aggregate classification (germline): Uncertain significance. Review status: criteria provided, multiple submitters, no conflicts (2 of 4 stars). 3 submissions from 3 submitters: Uncertain significance (3). Last evaluated 2025-10-16.

Conditions:
Inborn genetic diseases. Identifiers: MedGen C0950123, MeSH D030342.

Allele frequency attached by ClinVar (database versions not stated): TOPMed 0.00001.
gnomAD v4.1: 3 of 1,613,976 alleles (0.00019%); highest among the groups gnomAD compares: African/African-American, 0.0027%; no homozygotes.

Submissions (3):

GeneDx
Classification: Uncertain significance. Last evaluated: 2025-10-16. Review status: criteria provided, single submitter. Criteria: GeneDx Variant Classification Process June 2021. Collection method: clinical testing. Allele origin: germline. Affected: yes.
Comment: Not observed at significant frequency in large population cohorts (gnomAD); In silico analysis suggests that this missense variant does not alter protein structure/function; Has not been previously published as pathogenic or benign to our knowledge

Labcorp Genetics (formerly Invitae), Labcorp
Classification: Uncertain significance. Last evaluated: 2024-02-23. Review status: criteria provided, single submitter. Criteria: Invitae Variant Classification Sherloc (09022015). Collection method: clinical testing. Allele origin: germline.
Comment: This sequence change replaces glycine, which is neutral and non-polar, with valine, which is neutral and non-polar, at codon 1421 of the SETD5 protein (p.Gly1421Val). This variant is not present in population databases (gnomAD no frequency). This variant has not been reported in the literature in individuals affected with SETD5-related conditions. ClinVar contains an entry for this variant (Variation ID: 2314756). Advanced modeling of protein sequence and biophysical properties (such as structural, functional, and spatial information, amino acid conservation, physicochemical variation, residue mobility, and thermodynamic stability) has been performed at Invitae for this missense variant, however the output from this modeling did not meet the statistical confidence thresholds required to predict the impact of this variant on SETD5 protein function. In summary, the available evidence is currently insufficient to determine the role of this variant in disease. Therefore, it has been classified as a Variant of Uncertain Significance.

Ambry Genetics
Classification: Uncertain significance for Inborn genetic diseases. Last evaluated: 2022-09-29. Review status: criteria provided, single submitter. Criteria: Ambry Variant Classification Scheme 2023. Collection method: clinical testing. Allele origin: germline.